The following is an entry in ClinVar:

ClinVar aggregate classification (germline): Uncertain significance. Review status: criteria provided, multiple submitters, no conflicts (2 of 4 stars). 2 submissions from 2 submitters: Uncertain significance (2). Last evaluated 2023-04-25.

Conditions:
Hereditary cancer-predisposing syndrome. Also called: Hereditary neoplastic syndrome; Tumor predisposition; Neoplastic Syndromes, Hereditary; Hereditary Cancer Syndrome. Identifiers: Orphanet 140162, MedGen C0027672, MeSH D009386, MONDO:0015356.
Ataxia-telangiectasia syndrome (AT). Also called: Cerebello-oculocutaneous telangiectasia; ATAXIA-TELANGIECTASIA, COMPLEMENTATION GROUP A; ATAXIA-TELANGIECTASIA, FRESNO VARIANT; Ataxia-telangiectasia, complementation group D; AT, COMPLEMENTATION GROUP C; Immunodeficiency with ataxia telangiectasia. Identifiers: Orphanet 100, MedGen C0004135, MONDO:0008840, OMIM 208900.

Submissions (2):

Color Diagnostics, LLC DBA Color Health
Classification: Uncertain significance for Hereditary cancer-predisposing syndrome. Last evaluated: 2023-04-25. Review status: criteria provided, single submitter. Criteria: ACMG Guidelines, 2015. Collection method: clinical testing. Allele origin: germline.
Comment: This missense variant replaces lysine with glutamine at codon 1151 of the ATM protein. Computational prediction suggests that this variant may not impact protein structure and function (internally defined REVEL score threshold <= 0.5, PMID: 27666373). To our knowledge, functional studies have not been reported for this variant. This variant has not been reported in individuals affected with ATM-related disorders in the literature. This variant has not been identified in the general population by the Genome Aggregation Database (gnomAD). The available evidence is insufficient to determine the role of this variant in disease conclusively. Therefore, this variant is classified as a Variant of Uncertain Significance.

Labcorp Genetics (formerly Invitae), Labcorp
Classification: Uncertain significance for Ataxia-telangiectasia syndrome. Last evaluated: 2022-08-06. Review status: criteria provided, single submitter. Criteria: Invitae Variant Classification Sherloc (09022015). Collection method: clinical testing. Allele origin: germline.
Comment: Advanced modeling of protein sequence and biophysical properties (such as structural, functional, and spatial information, amino acid conservation, physicochemical variation, residue mobility, and thermodynamic stability) performed at Invitae indicates that this missense variant is not expected to disrupt ATM protein function. This sequence change replaces lysine, which is basic and polar, with glutamine, which is neutral and polar, at codon 1151 of the ATM protein (p.Lys1151Gln). This variant is not present in population databases (gnomAD no frequency). This variant has not been reported in the literature in individuals affected with ATM-related conditions. In summary, the available evidence is currently insufficient to determine the role of this variant in disease. Therefore, it has been classified as a Variant of Uncertain Significance.

NM_000051.4(ATM):c.3451A>C (p.Lys1151Gln)

Gene: ATM (ATM serine/threonine kinase; plus strand). Cytogenetic location: 11q22.3.
Variant type: single nucleotide variant.
Coding change: c.3451A>C on transcript NM_000051.4 (MANE Select); coding-DNA position 3451, A replaced by C.
Protein change: p.Lys1151Gln; replaces lysine 1151 with glutamine.
Molecular consequence: missense variant.
Genome position (GRCh38, 1-based): chr11:108,281,043, A>C. VCF-style: chr11-108281043-A-C. GRCh37 (hg19) VCF-style: chr11-108151770-A-C.
Other names: c.3451A>C, p.Lys1151Gln (NM_001351834.2); short protein forms K1151Q.
Identifiers: ClinVar variation 1715253 (VCV001715253.7), dbSNP rs1555091196, ClinGen allele CA382519329.